The following is an entry in ClinVar:

ClinVar aggregate classification (germline): Likely benign (1 of 4 stars; one submission).

Conditions:
B4GALNT1-related disorder. Also called: B4GALNT1-related condition.

Submission:

PreventionGenetics, part of Exact Sciences
Classification: Likely benign for B4GALNT1-related condition. Last evaluated: 2024-10-31. Review status: criteria provided, single submitter. Criteria: ACMG Guidelines, 2015. Collection method: clinical testing. Allele origin: germline.
Comment: This variant is classified as likely benign based on ACMG/AMP sequence variant interpretation guidelines (Richards et al. 2015 PMID: 25741868, with internal and published modifications).

NM_001478.5(B4GALNT1):c.712+67G>A

Gene: B4GALNT1 (beta-1,4-N-acetyl-galactosaminyltransferase 1; minus strand). Cytogenetic location: 12q13.3.
Variant type: single nucleotide variant.
Coding change: c.712+67G>A on transcript NM_001478.5 (MANE Select); 67 bases into the intron after coding-DNA position 712, G replaced by A.
Molecular consequence: intron variant. On other transcripts: missense variant (1).
Genome position (GRCh38, 1-based): chr12:57,630,085, C>T on the plus strand (G>A on the coding strand, the complement: B4GALNT1 is on the minus strand). VCF-style: chr12-57630085-C-T. GRCh37 (hg19) VCF-style: chr12-58023868-C-T.
Other names: c.779G>A, p.Gly260Glu (NM_001276469.2); c.547+67G>A (NM_001413978.1, NM_001276468.2); c.-276+67G>A (NM_001413984.1, NM_001413982.1, NM_001413981.1 and 1 more transcripts); c.712+67G>A (NM_001413977.1, NM_001413970.1, NM_001413968.1 and 8 more transcripts); short protein forms G260E.
Identifiers: ClinVar variation 4980509 (VCV004980509.1).